The following is an entry in ClinVar:

NM_003227.4(TFR2):c.1538-1G>A

Gene: TFR2 (transferrin receptor 2; minus strand). Cytogenetic location: 7q22.1.
Variant type: single nucleotide variant.
Coding change: c.1538-1G>A on transcript NM_003227.4 (MANE Select); the canonical splice acceptor site of the intron before coding-DNA position 1538, G replaced by A.
Molecular consequence: splice acceptor variant.
Genome position (GRCh38, 1-based): chr7:100,627,975, C>T on the plus strand (G>A on the coding strand, the complement: TFR2 is on the minus strand). VCF-style: chr7-100627975-C-T. GRCh37 (hg19) VCF-style: chr7-100225598-C-T.
Other names: c.1025-1G>A (NM_001206855.3).
Identifiers: ClinVar variation 1066728 (VCV001066728.7), dbSNP rs1803316195, ClinGen allele CA368527139.
Genomic context (GRCh38, chr7:100,627,975, plus strand): 5'-GGACACTCTCAATGAGACTTGTCAGAAGGGGGCTGGTCTTGGCATGAAACTTGTCATCCC[C>T]TGGAAAAAGGGGAGGGGAGGGATGCCAGGCTCAGGGCTCAGCCCCAGAGGCAAGGGTGGA-3'

ClinVar aggregate classification (germline): Likely pathogenic (1 of 4 stars; one submission).

Conditions:
Hereditary hemochromatosis (HFE). Identifiers: MedGen C0392514, MONDO:0006507. Disease mechanism: loss of function.

Allele frequency attached by ClinVar (database versions not stated): TOPMed below 0.00001.

Submission:

Labcorp Genetics (formerly Invitae), Labcorp
Classification: Likely pathogenic for Hereditary hemochromatosis. Last evaluated: 2024-01-31. Review status: criteria provided, single submitter. Criteria: Invitae Variant Classification Sherloc (09022015). Collection method: clinical testing. Allele origin: germline.
Comment: This sequence change affects an acceptor splice site in intron 12 of the TFR2 gene. It is expected to disrupt RNA splicing. Variants that disrupt the donor or acceptor splice site typically lead to a loss of protein function (PMID: 16199547), and loss-of-function variants in TFR2 are known to be pathogenic (PMID: 23600741, 26029709). This variant is not present in population databases (gnomAD no frequency). This variant has not been reported in the literature in individuals affected with TFR2-related conditions. ClinVar contains an entry for this variant (Variation ID: 1066728). Algorithms developed to predict the effect of sequence changes on RNA splicing suggest that this variant may disrupt the consensus splice site. In summary, the currently available evidence indicates that the variant is pathogenic, but additional data are needed to prove that conclusively. Therefore, this variant has been classified as Likely Pathogenic.

Literature cited by the submitters: PubMed 16199547; PubMed 23600741; PubMed 26029709.